The following is an entry in ClinVar:

ClinVar aggregate classification (germline): Uncertain significance (1 of 4 stars; one submission).

Conditions:
Charcot-Marie-Tooth disease axonal type 2K (CMT2K). Also called: Charcot-Marie-Tooth disease type 2K; CHARCOT-MARIE-TOOTH DISEASE, AXONAL, AUTOSOMAL RECESSIVE, TYPE 2K; CHARCOT-MARIE-TOOTH NEUROPATHY, AXONAL, TYPE 2K. Identifiers: Orphanet 101097, Orphanet 99944, MedGen C1842983, MONDO:0011916, OMIM 607831.

Submission:

Geisinger Autism and Developmental Medicine Institute, Geisinger Health System
Classification: Uncertain significance for Charcot-Marie-Tooth disease axonal type 2K. Last evaluated: 2018-04-13. Review status: criteria provided, single submitter. Criteria: ACMG CNV Guidelines, 2011. Collection method: provider interpretation. Allele origin: maternal.
Comment: This deletion includes six genes, including TMEM70, GDAP1, and JPH1. Individuals with single variants in TMEM70 are typically asymptomatic carriers for mitochondrial complex V deficiency. GADP1 and JPH1 have been described to cause an autosomal dominant Charcot-Marie-Tooth disease type 2K with muscle weakness and atrophy. The clinical significance of this deletion remains unclear at this time.

Literature cited by the submitters: PubMed 20685671; PubMed 15805163.

Single allele

Genes: UBE2W (ubiquitin conjugating enzyme E2 W; minus strand), LY96 (lymphocyte antigen 96; plus strand), TMEM70 (transmembrane protein 70; plus strand), JPH1 (junctophilin 1; minus strand), LINC01617 (long intergenic non-protein coding RNA 1617; plus strand) and 16 more. Cytogenetic location: 8q21.11.
Variant type: Deletion.
Identifiers: ClinVar variation 560150 (VCV000560150.3).